The following is an entry in ClinVar:

ClinVar aggregate classification (germline): Conflicting classifications of pathogenicity. Review status: criteria provided, conflicting classifications (1 of 4 stars). 9 submissions from 9 submitters: Uncertain significance (5); Benign (1); Likely benign (2). 1 of the submissions does not count toward it. Last evaluated 2025-11-17.

Conditions:
PNKP-related disorder. Also called: PNKP-related disorders; PNKP-related condition.
Inborn genetic diseases. Identifiers: MedGen C0950123, MeSH D030342.
Ataxia - oculomotor apraxia type 4. Identifiers: Orphanet 459033, MedGen C4225397, MONDO:0014557, OMIM 616267.
Microcephaly, seizures, and developmental delay. Identifiers: Orphanet 1934, MedGen C3150667, MONDO:0013254, OMIM 613402.
Developmental and epileptic encephalopathy, 12 (DEE12). Identifiers: MedGen C3150988, MONDO:0013389, OMIM 613722.

Allele frequency attached by ClinVar (database versions not stated): 1000 Genomes Project 30x 0.00094; TOPMed 0.00011; ExAC 0.00060; gnomAD 0.00061 and 0.00062; gnomAD exomes 0.00071; ESP Exome Variant Server 0.00015; 1000 Genomes Project 0.00120.
gnomAD v4.1: 696 of 1,612,912 alleles (0.043%); highest among the groups gnomAD compares: Non-Finnish European, 0.025%; 1 homozygote.

Submissions (9):

Labcorp Genetics (formerly Invitae), Labcorp
Classification: Likely benign for Developmental and epileptic encephalopathy, 12. Last evaluated: 2025-11-17. Review status: criteria provided, single submitter. Criteria: Invitae Variant Classification Sherloc (09022015). Collection method: clinical testing. Allele origin: germline.

Mayo Clinic Laboratories, Mayo Clinic
Classification: Likely benign. Last evaluated: 2025-05-06. Review status: criteria provided, single submitter. Criteria: ACMG Guidelines, 2015. Collection method: clinical testing. Allele origin: germline. Observed: 2 variant alleles.
Comment: BS1, BP4

ARUP Laboratories, Molecular Genetics and Genomics, ARUP Laboratories
Classification: Uncertain significance. Last evaluated: 2025-03-06. Review status: criteria provided, single submitter. Criteria: ARUP Molecular Germline Variant Investigation Process 2024. Collection method: clinical testing. Allele origin: germline.

GeneDx
Classification: Uncertain significance. Last evaluated: 2024-09-23. Review status: criteria provided, single submitter. Criteria: GeneDx Variant Classification Process June 2021. Collection method: clinical testing. Allele origin: germline. Affected: yes.
Comment: Observed in patients with early-onset breast cancer in published literature; however, additional variants in other genes were also identified (PMID: 39272813); In silico analysis supports that this missense variant has a deleterious effect on protein structure/function; This variant is associated with the following publications: (PMID: 33332469, 22508754, 39272813)

Illumina Laboratory Services, Illumina
Classification: Uncertain significance for Microcephaly, seizures, and developmental delay. Last evaluated: 2018-01-13. Review status: criteria provided, single submitter. Criteria: ICSL Variant Classification Criteria 13 December 2019. Collection method: clinical testing. Allele origin: germline.

Ambry Genetics
Classification: Benign for Inborn genetic diseases. Last evaluated: 2017-09-21. Review status: criteria provided, single submitter. Criteria: Ambry Variant Classification Scheme 2023. Collection method: clinical testing. Allele origin: germline.

Fulgent Genetics
Classification: Uncertain significance for Microcephaly, seizures, and developmental delay; Ataxia - oculomotor apraxia type 4. Last evaluated: 2017-05-23. Review status: criteria provided, single submitter. Criteria: ACMG Guidelines, 2015. Collection method: clinical testing. Allele origin: unknown.

Eurofins Ntd Llc (ga)
Classification: Uncertain significance. Last evaluated: 2014-06-03. Review status: criteria provided, single submitter. Criteria: EGL Classification Definitions 2015. Collection method: clinical testing. Allele origin: germline. Observed: 2 variant alleles, 2 heterozygotes.

PreventionGenetics, part of Exact Sciences
Classification: Likely benign for PNKP-related condition. Last evaluated: 2019-09-09. Review status: no assertion criteria provided. Collection method: clinical testing. Allele origin: germline. Not counted in ClinVar's aggregate classification.
Comment: This variant is classified as likely benign based on ACMG/AMP sequence variant interpretation guidelines (Richards et al. 2015 PMID: 25741868, with internal and published modifications).

NM_007254.4(PNKP):c.901C>T (p.Arg301Trp)

Gene: PNKP (polynucleotide kinase 3'-phosphatase; minus strand). Cytogenetic location: 19q13.33.
Variant type: single nucleotide variant.
Coding change: c.901C>T on transcript NM_007254.4 (MANE Select); coding-DNA position 901, C replaced by T.
Protein change: p.Arg301Trp; replaces arginine 301 with tryptophan.
Molecular consequence: missense variant.
Genome position (GRCh38, 1-based): chr19:49,862,573, G>A on the plus strand (C>T on the coding strand, the complement: PNKP is on the minus strand). VCF-style: chr19-49862573-G-A. GRCh37 (hg19) VCF-style: chr19-50365830-G-A.
Other names: p.R301W:CGG>TGG; short protein forms R301W.
Identifiers: ClinVar variation 95491 (VCV000095491.31), dbSNP rs201503405, ClinGen allele CA223025.